The following is an entry in ClinVar:

NM_000069.3(CACNA1S):c.4052C>T (p.Thr1351Ile)

Gene: CACNA1S (calcium voltage-gated channel subunit alpha1 S; minus strand). Cytogenetic location: 1q32.1.
Variant type: single nucleotide variant.
Coding change: c.4052C>T on transcript NM_000069.3 (MANE Select); coding-DNA position 4052, C replaced by T.
Protein change: p.Thr1351Ile; replaces threonine 1351 with isoleucine.
Molecular consequence: missense variant.
Genome position (GRCh38, 1-based): chr1:201,051,045, G>A on the plus strand (C>T on the coding strand, the complement: CACNA1S is on the minus strand). VCF-style: chr1-201051045-G-A. GRCh37 (hg19) VCF-style: chr1-201020173-G-A.
Other names: short protein forms T1351I.
Identifiers: ClinVar variation 2932524 (VCV002932524.4), dbSNP rs1179391647, ClinGen allele CA344150097.

ClinVar aggregate classification (germline): Uncertain significance. Review status: criteria provided, multiple submitters, no conflicts (2 of 4 stars). 2 submissions from 2 submitters: Uncertain significance (2). Last evaluated 2025-06-20.

Conditions:
Malignant hyperthermia, susceptibility to, 5 (MHS5). Also called: CACNA1S-Related Malignant Hyperthermia Susceptibility. Identifiers: Orphanet 423, MedGen C1866077, MONDO:0011163, OMIM 601887.
Hypokalemic periodic paralysis, type 1. Also called: HypoPP; Hypokalemic Periodic Paralysis Type 1 (AD). Identifiers: Orphanet 681, MedGen C3714580, MONDO:0042979, OMIM 170400.

Allele frequency attached by ClinVar (database versions not stated): gnomAD exomes below 0.00001.
gnomAD v4.1: 1 of 1,614,236 alleles (0.000062%); highest among the groups gnomAD compares: South Asian, 0.0011%; no homozygotes.

Submissions (2):

Color Diagnostics, LLC DBA Color Health
Classification: Uncertain significance for Malignant hyperthermia, susceptibility to, 5. Last evaluated: 2025-06-20. Review status: criteria provided, single submitter. Criteria: ACMG Guidelines, 2015. Collection method: clinical testing. Allele origin: germline.
Comment: This missense variant replaces threonine with isoleucine at codon 1351 of the CACNA1S protein. Computational prediction suggests that this variant may have deleterious impact on protein structure and function. To our knowledge, functional studies have not been reported for this variant. This variant has not been reported in individuals affected with CACNA1S-related disorders in the literature. This variant has been identified in 1/251494 chromosomes in the general population by the Genome Aggregation Database (gnomAD). The available evidence is insufficient to determine the role of this variant in disease conclusively. Therefore, this variant is classified as a Variant of Uncertain Significance.

Labcorp Genetics (formerly Invitae), Labcorp
Classification: Uncertain significance for Hypokalemic periodic paralysis, type 1; Malignant hyperthermia, susceptibility to, 5. Last evaluated: 2023-05-20. Review status: criteria provided, single submitter. Criteria: Invitae Variant Classification Sherloc (09022015). Collection method: clinical testing. Allele origin: germline.
Comment: In summary, the available evidence is currently insufficient to determine the role of this variant in disease. Therefore, it has been classified as a Variant of Uncertain Significance. Advanced modeling of protein sequence and biophysical properties (such as structural, functional, and spatial information, amino acid conservation, physicochemical variation, residue mobility, and thermodynamic stability) performed at Invitae indicates that this missense variant is not expected to disrupt CACNA1S protein function. This variant has not been reported in the literature in individuals affected with CACNA1S-related conditions. This variant is present in population databases (no rsID available, gnomAD no frequency). This sequence change replaces threonine, which is neutral and polar, with isoleucine, which is neutral and non-polar, at codon 1351 of the CACNA1S protein (p.Thr1351Ile).